The following is an entry in ClinVar:

NM_212482.4(FN1):c.5570A>G (p.Lys1857Arg)

Gene: FN1 (fibronectin 1; minus strand). Cytogenetic location: 2q35.
Variant type: single nucleotide variant.
Coding change: c.5570A>G on transcript NM_212482.4 (MANE Select); coding-DNA position 5570, A replaced by G.
Protein change: p.Lys1857Arg; replaces lysine 1857 with arginine.
Molecular consequence: missense variant.
Genome position (GRCh38, 1-based): chr2:215,379,182, T>C on the plus strand (A>G on the coding strand, the complement: FN1 is on the minus strand). VCF-style: chr2-215379182-T-C. GRCh37 (hg19) VCF-style: chr2-216243905-T-C.
Other names: c.5297A>G, p.Lys1766Arg (NM_001365518.2, NM_001365520.2, NM_001365524.2 and 2 more transcripts); c.5300A>G, p.Lys1767Arg (NM_001365519.2, NM_001365521.2, NM_001365522.2 and 2 more transcripts); c.5027A>G, p.Lys1676Arg (NM_001365523.2, NM_212474.3, NM_001306131.2 and 2 more transcripts); c.5570A>G, p.Lys1857Arg (NM_001306129.2); short protein forms K1766R, K1857R, K1767R, K1676R.
Identifiers: ClinVar variation 3702040 (VCV003702040.2).

ClinVar aggregate classification (germline): Uncertain significance (1 of 4 stars; one submission).

gnomAD v4.1: 7 of 1,613,964 alleles (0.00043%); highest among the groups gnomAD compares: South Asian, 0.0011%; no homozygotes.

Submission:

Labcorp Genetics (formerly Invitae), Labcorp
Classification: Uncertain significance. Last evaluated: 2024-02-16. Review status: criteria provided, single submitter. Criteria: Invitae Variant Classification Sherloc (09022015). Collection method: clinical testing. Allele origin: germline.
Comment: This sequence change replaces lysine, which is basic and polar, with arginine, which is basic and polar, at codon 1857 of the FN1 protein (p.Lys1857Arg). This variant is present in population databases (no rsID available, gnomAD 0.002%). This variant has not been reported in the literature in individuals affected with FN1-related conditions. An algorithm developed to predict the effect of missense changes on protein structure and function (PolyPhen-2) suggests that this variant is likely to be disruptive. In summary, the available evidence is currently insufficient to determine the role of this variant in disease. Therefore, it has been classified as a Variant of Uncertain Significance.